The following is an entry in ClinVar:

NM_173354.5(SIK1):c.114C>T (p.Phe38=)

Gene: SIK1 (salt inducible kinase 1; minus strand). Cytogenetic location: 21q22.3.
Variant type: single nucleotide variant.
Coding change: c.114C>T on transcript NM_173354.5 (MANE Select); coding-DNA position 114, C replaced by T.
Protein change: p.Phe38=; no amino-acid change (phenylalanine 38 retained).
Molecular consequence: synonymous variant.
Genome position (GRCh38, 1-based): chr21:43,426,065, G>A on the plus strand (C>T on the coding strand, the complement: SIK1 is on the minus strand). VCF-style: chr21-43426065-G-A. GRCh37 (hg19) VCF-style: chr21-44845945-G-A.
Identifiers: ClinVar variation 1086446 (VCV001086446.34), dbSNP rs1359524179, ClinGen allele CA749590713.

ClinVar aggregate classification (germline): Likely benign. Review status: criteria provided, multiple submitters, no conflicts (2 of 4 stars). 3 submissions from 3 submitters: Likely benign (3). Last evaluated 2024-09-09.

Conditions:
Developmental and epileptic encephalopathy, 30 (DEE30). Also called: Epileptic encephalopathy, early infantile, 30. Identifiers: MedGen C4225360, MONDO:0014595, OMIM 616341.

Allele frequency attached by ClinVar (database versions not stated): gnomAD exomes 0.00001.

Submissions (3):

Blueprint Genetics
Classification: Likely benign. Last evaluated: 2024-09-09. Review status: criteria provided, single submitter. Criteria: ACMG Guidelines, 2015. Collection method: clinical testing. Allele origin: germline.

Labcorp Genetics (formerly Invitae), Labcorp
Classification: Likely benign for Developmental and epileptic encephalopathy, 30. Last evaluated: 2024-09-04. Review status: criteria provided, single submitter. Criteria: Invitae Variant Classification Sherloc (09022015). Collection method: clinical testing. Allele origin: germline.

CeGaT Center for Human Genetics Tuebingen
Classification: Likely benign. Last evaluated: 2022-09-01. Review status: criteria provided, single submitter. Criteria: CeGaT Center For Human Genetics Tuebingen Variant Classification Criteria Version 2. Collection method: clinical testing. Allele origin: germline. Affected: yes. Observed: 1 variant allele.
Comment: SIK1: BP4, BP7